The following is an entry in ClinVar:

NM_001103.4(ACTN2):c.2128A>G (p.Asn710Asp)

Gene: ACTN2 (actinin alpha 2; plus strand). Cytogenetic location: 1q43.
Variant type: single nucleotide variant.
Coding change: c.2128A>G on transcript NM_001103.4 (MANE Select); coding-DNA position 2128, A replaced by G.
Protein change: p.Asn710Asp; replaces asparagine 710 with aspartic acid.
Molecular consequence: missense variant. On other transcripts: non-coding transcript variant (1).
Genome position (GRCh38, 1-based): chr1:236,755,172, A>G. VCF-style: chr1-236755172-A-G. GRCh37 (hg19) VCF-style: chr1-236918472-A-G.
Other names: c.2128A>G, p.Asn710Asp (NM_001278343.2); short protein forms N710D.
Identifiers: ClinVar variation 4782557 (VCV004782557.1).

ClinVar aggregate classification (germline): Uncertain significance (1 of 4 stars; one submission).

Conditions:
Primary familial hypertrophic cardiomyopathy (HCM). Identifiers: Orphanet 99739, MedGen C0949658, MeSH D024741, MONDO:0024573. Inheritance: Various modes of inheritance.
Dilated cardiomyopathy 1AA (CMD1AA). Also called: CARDIOMYOPATHY, DILATED, 1AA, WITH OR WITHOUT LEFT VENTRICULAR NONCOMPACTION; CARDIOMYOPATHY, FAMILIAL HYPERTROPHIC, 23, WITH OR WITHOUT LEFT VENTRICULAR NONCOMPACTION; Cardiomyopathy, dilated, 1AA, with or without LVNC. Identifiers: Orphanet 154, MedGen C2677338, MONDO:0012808, OMIM 612158.

Submission:

Labcorp Genetics (formerly Invitae), Labcorp
Classification: Uncertain significance for Primary familial hypertrophic cardiomyopathy; Dilated cardiomyopathy 1AA. Last evaluated: 2026-01-31. Review status: criteria provided, single submitter. Criteria: Invitae Variant Classification Sherloc (09022015). Collection method: clinical testing. Allele origin: germline.
Comment: This sequence change replaces asparagine, which is neutral and polar, with aspartic acid, which is acidic and polar, at codon 710 of the ACTN2 protein (p.Asn710Asp). This variant is not present in population databases (gnomAD no frequency). This variant has not been reported in the literature in individuals affected with ACTN2-related conditions. Invitae Evidence Modeling of protein sequence and biophysical properties (such as structural, functional, and spatial information, amino acid conservation, physicochemical variation, residue mobility, and thermodynamic stability) indicates that this missense variant is expected to disrupt ACTN2 protein function with a positive predictive value of 80%. In summary, the available evidence is currently insufficient to determine the role of this variant in disease. Therefore, it has been classified as a Variant of Uncertain Significance.